The following is an entry in ClinVar:

ClinVar aggregate classification (germline): Uncertain significance (1 of 4 stars; one submission).

Submission:

Ambry Genetics
Classification: Uncertain significance. Last evaluated: 2024-07-09. Review status: criteria provided, single submitter. Criteria: Ambry Variant Classification Scheme 2023. Collection method: clinical testing. Allele origin: germline.
Comment: The p.A1928V variant (also known as c.5783C>T), located in coding exon 18 of the POLQ gene, results from a C to T substitution at nucleotide position 5783. The alanine at codon 1928 is replaced by valine, an amino acid with similar properties. This amino acid position is conserved. In addition, this alteration is predicted to be tolerated by in silico analysis. Based on the available evidence, the clinical significance of this variant remains unclear.

NM_199420.4(POLQ):c.5783C>T (p.Ala1928Val)

Gene: POLQ (DNA polymerase theta; minus strand). Cytogenetic location: 3q13.33.
Variant type: single nucleotide variant.
Coding change: c.5783C>T on transcript NM_199420.4 (MANE Select); coding-DNA position 5783, C replaced by T.
Protein change: p.Ala1928Val; replaces alanine 1928 with valine.
Molecular consequence: missense variant.
Genome position (GRCh38, 1-based): chr3:121,483,573, G>A on the plus strand (C>T on the coding strand, the complement: POLQ is on the minus strand). VCF-style: chr3-121483573-G-A. GRCh37 (hg19) VCF-style: chr3-121202420-G-A.
Other names: short protein forms A1928V.
Identifiers: ClinVar variation 3422444 (VCV003422444.1).
Genomic context (GRCh38, chr3:121,483,573, plus strand): 5'-AGGTACCACATCCTGTCTTTCAAAGTCAGGCTTGGATCTAAAGAAGGTGGAACCAAACTG[G>A]CACTAATTTCTTTAAAAAAAAAAAAAAAAAGGAAAAAACATTTTTAAGGCAAAAATTACA-3'
Protein context (NP_955452.3, residues 1918-1938): QKEQKHSEIS[Ala1928Val]SLVPPSLDPS